The following is an entry in ClinVar:

ClinVar aggregate classification (germline): Uncertain significance (1 of 4 stars; one submission).

Submission:

Labcorp Genetics (formerly Invitae), Labcorp
Classification: Uncertain significance. Last evaluated: 2022-04-22. Review status: criteria provided, single submitter. Criteria: Invitae Variant Classification Sherloc (09022015). Collection method: clinical testing. Allele origin: germline.
Comment: This sequence change replaces isoleucine, which is neutral and non-polar, with methionine, which is neutral and non-polar, at codon 2731 of the HSPG2 protein (p.Ile2731Met). This variant is not present in population databases (gnomAD no frequency). This variant has not been reported in the literature in individuals affected with HSPG2-related conditions. Algorithms developed to predict the effect of missense changes on protein structure and function are either unavailable or do not agree on the potential impact of this missense change (SIFT: "Tolerated"; PolyPhen-2: "Probably Damaging"; Align-GVGD: "Class C0"). In summary, the available evidence is currently insufficient to determine the role of this variant in disease. Therefore, it has been classified as a Variant of Uncertain Significance.

NM_005529.7(HSPG2):c.8193T>G (p.Ile2731Met)

Gene: HSPG2 (heparan sulfate proteoglycan 2; minus strand). Cytogenetic location: 1p36.12.
Variant type: single nucleotide variant.
Coding change: c.8193T>G on transcript NM_005529.7 (MANE Select); coding-DNA position 8193, T replaced by G.
Protein change: p.Ile2731Met; replaces isoleucine 2731 with methionine.
Molecular consequence: missense variant.
Genome position (GRCh38, 1-based): chr1:21,846,571, A>C on the plus strand (T>G on the coding strand, the complement: HSPG2 is on the minus strand). VCF-style: chr1-21846571-A-C. GRCh37 (hg19) VCF-style: chr1-22173064-A-C.
Other names: c.8196T>G, p.Ile2732Met (NM_001291860.2); short protein forms I2731M, I2732M.
Identifiers: ClinVar variation 2128164 (VCV002128164.4), dbSNP rs2550672945, ClinGen allele CA338919467.